The following is an entry in ClinVar:

NM_020964.3(EPG5):c.1678-1G>A

Gene: EPG5 (ectopic P-granules 5 autophagy tethering factor; minus strand). Cytogenetic location: 18q21.1.
Variant type: single nucleotide variant.
Coding change: c.1678-1G>A on transcript NM_020964.3 (MANE Select); the canonical splice acceptor site of the intron before coding-DNA position 1678, G replaced by A.
Molecular consequence: splice acceptor variant.
Genome position (GRCh38, 1-based): chr18:45,944,120, C>T on the plus strand (G>A on the coding strand, the complement: EPG5 is on the minus strand). VCF-style: chr18-45944120-C-T. GRCh37 (hg19) VCF-style: chr18-43524086-C-T.
Other names: c.1678-1G>A (NM_001410858.1, NM_001410859.1).
Identifiers: ClinVar variation 466238 (VCV000466238.6), dbSNP rs755928939, ClinGen allele CA8949630.

ClinVar aggregate classification (germline): Likely pathogenic. Review status: criteria provided, multiple submitters, no conflicts (2 of 4 stars). 2 submissions from 2 submitters: Likely pathogenic (2). Last evaluated 2022-12-13.

Conditions:
Inborn genetic diseases. Identifiers: MedGen C0950123, MeSH D030342.
Vici syndrome (VICIS). Identifiers: Orphanet 1493, MedGen C1855772, MONDO:0009452, OMIM 242840.

Allele frequency attached by ClinVar (database versions not stated): gnomAD exomes below 0.00001 and 0.00001; ExAC 0.00002.
gnomAD v4.1: 4 of 1,599,626 alleles (0.00025%); highest among the groups gnomAD compares: Admixed American, 0.0067%; no homozygotes.

Submissions (2):

Labcorp Genetics (formerly Invitae), Labcorp
Classification: Likely pathogenic for Vici syndrome. Last evaluated: 2022-12-13. Review status: criteria provided, single submitter. Criteria: Invitae Variant Classification Sherloc (09022015). Collection method: clinical testing. Allele origin: germline.
Comment: This sequence change affects an acceptor splice site in intron 7 of the EPG5 gene. It is expected to disrupt RNA splicing. Variants that disrupt the donor or acceptor splice site typically lead to a loss of protein function (PMID: 16199547), and loss-of-function variants in EPG5 are known to be pathogenic (PMID: 23222957, 23674064). This variant is present in population databases (rs755928939, gnomAD 0.006%). This variant has not been reported in the literature in individuals affected with EPG5-related conditions. ClinVar contains an entry for this variant (Variation ID: 466238). Algorithms developed to predict the effect of sequence changes on RNA splicing suggest that this variant may disrupt the consensus splice site. In summary, the currently available evidence indicates that the variant is pathogenic, but additional data are needed to prove that conclusively. Therefore, this variant has been classified as Likely Pathogenic.

Ambry Genetics
Classification: Likely pathogenic for Inborn genetic diseases. Last evaluated: 2022-08-08. Review status: criteria provided, single submitter. Criteria: Ambry Variant Classification Scheme 2023. Collection method: clinical testing. Allele origin: germline.
Comment: The c.1678-1G>A intronic variant results from a G to A substitution one nucleotide before coding exon 8 of the EPG5 gene. Alterations that disrupt the canonical splice site are expected to cause aberrant splicing, resulting in an abnormal protein or a transcript that is subject to nonsense-mediated mRNA decay. Based on data from gnomAD, the A allele has an overall frequency of <0.01% (3/249144) total alleles studied. The highest observed frequency was 0.01% (3/34442) of Latino alleles. This nucleotide position is well conserved in available vertebrate species. In silico splice site analysis predicts that this alteration will weaken the native splice acceptor site and will result in the creation or strengthening of a novel splice acceptor site. Based on the available evidence, this alteration is classified as likely pathogenic.

Literature cited by the submitters: PubMed 16199547 (cited by Labcorp Genetics (formerly Invitae), Labcorp); PubMed 23222957 (cited by Labcorp Genetics (formerly Invitae), Labcorp); PubMed 23674064 (cited by Labcorp Genetics (formerly Invitae), Labcorp).